The following is an entry in ClinVar:

ClinVar aggregate classification (germline): Pathogenic (1 of 4 stars; one submission).

Conditions:
Myopathy, proximal, and ophthalmoplegia (CMYO6). Also called: CONGENITAL MYOPATHY 6 WITH OPHTHALMOPLEGIA; MYOPATHY WITH CONGENITAL JOINT CONTRACTURES, OPHTHALMOPLEGIA, AND RIMMED VACUOLES; INCLUSION BODY MYOPATHY 3, AUTOSOMAL DOMINANT. Identifiers: Orphanet 363677, Orphanet 79091, MedGen C1854106, MONDO:0011577, OMIM 605637.

Submission:

Labcorp Genetics (formerly Invitae), Labcorp
Classification: Pathogenic for Myopathy, proximal, and ophthalmoplegia. Last evaluated: 2025-04-22. Review status: criteria provided, single submitter. Criteria: Invitae Variant Classification Sherloc (09022015). Collection method: clinical testing. Allele origin: germline.
Comment: This sequence change creates a premature translational stop signal (p.Thr619Asnfs*13) in the MYH2 gene. It is expected to result in an absent or disrupted protein product. Loss-of-function variants in MYH2 are known to be pathogenic (PMID: 20418530, 23388406, 24193343). This variant is not present in population databases (gnomAD no frequency). This variant has not been reported in the literature in individuals affected with MYH2-related conditions. For these reasons, this variant has been classified as Pathogenic.

Literature cited by the submitters: PubMed 20418530; PubMed 23388406; PubMed 24193343.

NM_017534.6(MYH2):c.1855dup (p.Thr619fs)

Genes: MYHAS (myosin heavy chain gene cluster antisense RNA; plus strand), MYH2 (myosin heavy chain 2; minus strand). Cytogenetic location: 17p13.1.
Variant type: Duplication.
Coding change: c.1855dup on transcript NM_017534.6 (MANE Select); coding-DNA position 1855, one base duplicated (A; older notation c.1855dupA).
Protein change: p.Thr619fs; shifts the reading frame from threonine 619.
Molecular consequence: frameshift variant.
Genome position (GRCh38, 1-based): chr17:10,537,275, T duplicated on the plus strand (A on the coding strand, the reverse complement: MYH2 is on the minus strand); the first of 4 consecutive T bases (chr17:10,537,275-10,537,278); duplicating any one gives the same sequence. VCF-style (leftmost placement, unchanged base first): chr17-10537274-G-GT. GRCh37 (hg19) VCF-style: chr17-10440591-G-GT.
Other names: c.1855dup, p.Thr619fs (NM_001100112.2); short protein forms T619fs.
Identifiers: ClinVar variation 4701033 (VCV004701033.1).